The following is an entry in ClinVar:

ClinVar aggregate classification (germline): Uncertain significance (1 of 4 stars; one submission).

Conditions:
Mitochondrial hypertrophic cardiomyopathy with lactic acidosis due to MTO1 deficiency. Also called: CARDIOMYOPATHY, INFANTILE HYPERTROPHIC MITOCHONDRIAL, AND LACTIC ACIDOSIS; Combined oxidative phosphorylation deficiency 10. Identifiers: Orphanet 314637, MedGen C4749921, MONDO:0013865, OMIM 614702.

Submission:

Labcorp Genetics (formerly Invitae), Labcorp
Classification: Uncertain significance for Mitochondrial hypertrophic cardiomyopathy with lactic acidosis due to MTO1 deficiency. Last evaluated: 2022-05-19. Review status: criteria provided, single submitter. Criteria: Invitae Variant Classification Sherloc (09022015). Collection method: clinical testing. Allele origin: germline.
Comment: This variant, c.478_480del, is a complex sequence change that results in the deletion of 1 amino acid(s) in the MTO1 protein (p.Leu160del). This variant is present in population databases (rs761485089, gnomAD 0.01%). This variant has not been reported in the literature in individuals affected with MTO1-related conditions. Experimental studies and prediction algorithms are not available or were not evaluated, and the functional significance of this variant is currently unknown. In summary, the available evidence is currently insufficient to determine the role of this variant in disease. Therefore, it has been classified as a Variant of Uncertain Significance.

NM_012123.4(MTO1):c.478_480del (p.Leu160del)

Gene: MTO1 (mitochondrial tRNA translation optimization 1; plus strand). Cytogenetic location: 6q13.
Variant type: Deletion.
Coding change: c.478_480del on transcript NM_012123.4 (MANE Select); coding-DNA positions 478 to 480, 3 bases deleted (CTT; older notation c.478_480delCTT).
Protein change: p.Leu160del; deletes leucine 160.
Molecular consequence: inframe deletion.
Genome position (GRCh38, 1-based): chr6:73,466,549-73,466,551, CTT deleted; deleting any 3 consecutive bases within chr6:73,466,547-73,466,551 gives the same sequence; the c. name uses the placement nearest the transcript's 3' end. VCF-style (leftmost placement, unchanged base first): chr6-73466546-ATTC-A. GRCh37 (hg19) VCF-style: chr6-74176269-ATTC-A.
Other names: c.478_480del, p.Leu160del (NM_001123226.2, NM_133645.3); short protein forms L160del.
Identifiers: ClinVar variation 1365970 (VCV001365970.3), dbSNP rs761485089, ClinGen allele CA3889359.